The following is an entry in ClinVar:

ClinVar aggregate classification (germline): Uncertain significance (1 of 4 stars; one submission).

Conditions:
Orofaciodigital syndrome I (OFD1). Also called: OFDS I; Oral-Facial-Digital Syndrome Type I; Papillon-Leage and Psaume Syndrome. Identifiers: Orphanet 2750, MedGen C1510460, MONDO:0010702, OMIM 311200.

Allele frequency attached by ClinVar (database versions not stated): gnomAD exomes below 0.00001 and 0.00001; gnomAD 0.00001; ExAC 0.00002; TOPMed 0.00002.
gnomAD v4.1: 3 of 1,603,364 alleles (0.00019%); highest among the groups gnomAD compares: African/African-American, 0.0013%; no homozygotes.

Submission:

SIB Swiss Institute of Bioinformatics
Classification: Uncertain significance for Orofaciodigital syndrome I. Last evaluated: 2018-04-16. Review status: criteria provided, single submitter. Criteria: ACMG Guidelines, 2015. Collection method: curation. Allele origin: germline.
Comment: This variant is interpreted as a Uncertain Significance, for Orofaciodigital syndrome, Autosomal Recessive inheritance. The following ACMG Tag(s) were applied: PM2-Supporting => PM2 downgraded in strength to Supporting. PP3 => Multiple lines of computational evidence support a deleterious effect on the gene or gene product. PS3-Moderate => PS3 downgraded in strength to Moderate (PMID:26982032). PP1 => Cosegregation with disease in multiple affected family members in a gene definitively known to cause the disease (PMID:26982032).

Literature cited by the submitters: PubMed 26982032.

NM_198276.3(TMEM17):c.306C>A (p.Asn102Lys)

Gene: TMEM17 (transmembrane protein 17; minus strand). Cytogenetic location: 2p15.
Variant type: single nucleotide variant.
Coding change: c.306C>A on transcript NM_198276.3 (MANE Select); coding-DNA position 306, C replaced by A.
Protein change: p.Asn102Lys; replaces asparagine 102 with lysine.
Molecular consequence: missense variant.
Genome position (GRCh38, 1-based): chr2:62,502,449, G>T on the plus strand (C>A on the coding strand, the complement: TMEM17 is on the minus strand). VCF-style: chr2-62502449-G-T. GRCh37 (hg19) VCF-style: chr2-62729584-G-T.
Other names: NM_198276.2:c.306C>A(p.Asn102Lys); short protein forms N102K.
Identifiers: ClinVar variation 549483 (VCV000549483.1), dbSNP rs201339749, ClinGen allele CA1680563.
Genomic context (GRCh38, chr2:62,502,449, plus strand): 5'-CTGATTTCATTTATATCTATCACTGAGAGAAAGGAAAAAAGAGCTTACCTTCTCCTGTAG[G>T]TTACCCACGTAGCCCAGATACAACCGGATGGCTTCAATTAAGGTTATTAGGATGATAACA-3'
Protein context (NP_938017.2, residues 92-112): AIRLYLGYVG[Asn102Lys]LQEKVPELAG